The following is an entry in ClinVar:

ClinVar aggregate classification (germline): Pathogenic (1 of 4 stars; one submission).

Conditions:
Adams-Oliver syndrome 5 (AOS5). Identifiers: Orphanet 974, MedGen C4014970, MONDO:0014459, OMIM 616028.

Submission:

Labcorp Genetics (formerly Invitae), Labcorp
Classification: Pathogenic for Adams-Oliver syndrome 5. Last evaluated: 2022-11-15. Review status: criteria provided, single submitter. Criteria: Invitae Variant Classification Sherloc (09022015). Collection method: clinical testing. Allele origin: germline.
Comment: For these reasons, this variant has been classified as Pathogenic. This variant has not been reported in the literature in individuals affected with NOTCH1-related conditions. This sequence change creates a premature translational stop signal (p.Gln1495Thrfs*78) in the NOTCH1 gene. It is expected to result in an absent or disrupted protein product. Loss-of-function variants in NOTCH1 are known to be pathogenic (PMID: 16025100, 21457232, 25132448, 25963545). This variant is not present in population databases (gnomAD no frequency).

Literature cited by the submitters: PubMed 16025100; PubMed 21457232; PubMed 25132448; PubMed 25963545.

NM_017617.5(NOTCH1):c.4483_4504del (p.Gln1495fs)

Gene: NOTCH1 (notch receptor 1; minus strand). Cytogenetic location: 9q34.3.
Variant type: Deletion.
Coding change: c.4483_4504del on transcript NM_017617.5 (MANE Select); coding-DNA positions 4483 to 4504, 22 bases deleted (CAGTGCTGGAAGTACTTCAGTG).
Protein change: p.Gln1495fs; shifts the reading frame from glutamine 1495.
Molecular consequence: frameshift variant.
Genome position (GRCh38, 1-based): chr9:136,505,392-136,505,413, CACTGAAGTACTTCCAGCACTG deleted on the plus strand (CAGTGCTGGAAGTACTTCAGTG on the coding strand, the reverse complement: NOTCH1 is on the minus strand); deleting any 22 consecutive bases within chr9:136,505,392-136,505,415 gives the same sequence; the c. name uses the placement nearest the transcript's 3' end. VCF-style (leftmost placement, unchanged base first): chr9-136505391-TCACTGAAGTACTTCCAGCACTG-T. GRCh37 (hg19) VCF-style: chr9-139399843-TCACTGAAGTACTTCCAGCACTG-T.
Other names: short protein forms Q1495fs.
Identifiers: ClinVar variation 2895682 (VCV002895682.3), dbSNP rs2540437045, ClinGen allele CA2739264837.
Genomic context (GRCh38, chr9:136,505,391, plus strand): 5'-TGGCAGTCAAAGCCGTCGAAGAGGCAGCCGGCTGAGTTGCACTGGCTGTCACAGTGGCCG[TCACTGAAGTACTTCCAGCACTG>T]CAGAGACTGCGTGCAGTTCTTCCAGGGGTCATTGAAGTTGAGGGAGCAGTCACCGCCGTC-3'